The following is an entry in ClinVar:

ClinVar aggregate classification (germline): Pathogenic (1 of 4 stars; one submission).

Conditions:
Autosomal dominant polycystic kidney disease. Identifiers: Orphanet 730, MedGen C0085413, MONDO:0004691.

Submission:

Labcorp Genetics (formerly Invitae), Labcorp
Classification: Pathogenic for Autosomal dominant polycystic kidney disease. Last evaluated: 2022-01-06. Review status: criteria provided, single submitter. Criteria: Invitae Variant Classification Sherloc (09022015). Collection method: clinical testing. Allele origin: germline.
Comment: This variant is not present in population databases (gnomAD no frequency). This sequence change affects an acceptor splice site in intron 4 of the PKD2 gene. It is expected to disrupt RNA splicing. Variants that disrupt the donor or acceptor splice site typically lead to a loss of protein function (PMID: 16199547), and loss-of-function variants in PKD2 are known to be pathogenic (PMID: 17582161, 22863349). Disruption of this splice site has been observed in individuals with autosomal dominant polycystic kidney disease (PMID: 31740684). For these reasons, this variant has been classified as Pathogenic. Algorithms developed to predict the effect of sequence changes on RNA splicing suggest that this variant may disrupt the consensus splice site.

Literature cited by the submitters: PubMed 16199547; PubMed 17582161; PubMed 22863349; PubMed 31740684.

NM_000297.4(PKD2):c.1095-2A>T

Gene: PKD2 (polycystin 2, transient receptor potential cation channel; plus strand). Cytogenetic location: 4q22.1.
Variant type: single nucleotide variant.
Coding change: c.1095-2A>T on transcript NM_000297.4 (MANE Select); the canonical splice acceptor site of the intron before coding-DNA position 1095, A replaced by T.
Molecular consequence: splice acceptor variant.
Genome position (GRCh38, 1-based): chr4:88,043,231, A>T. VCF-style: chr4-88043231-A-T. GRCh37 (hg19) VCF-style: chr4-88964383-A-T.
Identifiers: ClinVar variation 1916255 (VCV001916255.5), dbSNP rs2475915193, ClinGen allele CA357615314.